The following is an entry in ClinVar:

NM_001134793.2(HYLS1):c.91T>C (p.Cys31Arg)

Genes: HYLS1 (HYLS1 centriolar and ciliogenesis associated; plus strand), PUS3 (pseudouridine synthase 3; minus strand). Cytogenetic location: 11q24.2.
Variant type: single nucleotide variant.
Coding change: c.91T>C on transcript NM_001134793.2 (MANE Select); coding-DNA position 91, T replaced by C.
Protein change: p.Cys31Arg; replaces cysteine 31 with arginine.
Molecular consequence: missense variant. On other transcripts: intron variant (2).
Genome position (GRCh38, 1-based): chr11:125,899,459, T>C. VCF-style: chr11-125899459-T-C. GRCh37 (hg19) VCF-style: chr11-125769354-T-C.
Other names: c.91T>C, p.Cys31Arg (NM_001377269.1, NM_001377270.1, NM_001424364.1 and 1 more transcripts); c.-246-3670A>G (NM_001271985.2); c.-46-3129A>G (NM_031307.4); short protein forms C31R.
Identifiers: ClinVar variation 303363 (VCV000303363.22), dbSNP rs667782, ClinGen allele CA6350655.

ClinVar aggregate classification (germline): Benign. Review status: criteria provided, multiple submitters, no conflicts (2 of 4 stars). 8 submissions from 8 submitters: Benign (6). 2 of the submissions do not count toward it. Last evaluated 2026-02-04.

Conditions:
Hydrolethalus syndrome 1 (HLS1). Identifiers: Orphanet 2189, MedGen C1856016, MONDO:0009365, OMIM 236680.
HYLS1-related disorder. Also called: HYLS1-related condition.
Hydrolethalus syndrome. Identifiers: Orphanet 2189, MedGen C2931104, MONDO:0006037.

Allele frequency attached by ClinVar (database versions not stated): gnomAD exomes 0.25499 and 0.28046; ESP Exome Variant Server 0.25931; gnomAD 0.26652 and 0.26995; TOPMed 0.26678; ExAC 0.28307; 1000 Genomes Project 30x 0.29716; 1000 Genomes Project 0.29932.
gnomAD v4.1: 414,063 of 1,613,848 alleles (26%); highest among the groups gnomAD compares: South Asian, 37%; 54,563 homozygotes.

Submissions (8):

Labcorp Genetics (formerly Invitae), Labcorp
Classification: Benign. Last evaluated: 2026-02-04. Review status: criteria provided, single submitter. Criteria: Invitae Variant Classification Sherloc (09022015). Collection method: clinical testing. Allele origin: germline.

Blueprint Genetics
Classification: Benign. Last evaluated: 2024-11-27. Review status: criteria provided, single submitter. Criteria: ACMG Guidelines, 2015. Collection method: clinical testing. Allele origin: germline.

Genome-Nilou Lab
Classification: Benign for Hydrolethalus syndrome 1. Last evaluated: 2021-07-10. Review status: criteria provided, single submitter. Criteria: ACMG Guidelines, 2015. Collection method: clinical testing. Allele origin: germline. Affected: no.

Mendelics
Classification: Benign for Hydrolethalus syndrome 1. Last evaluated: 2019-05-28. Review status: criteria provided, single submitter. Criteria: Mendelics Assertion Criteria 2017. Collection method: clinical testing. Allele origin: unknown.

GeneDx
Classification: Benign. Last evaluated: 2015-03-03. Review status: criteria provided, single submitter. Criteria: GeneDx Variant Classification Process June 2021. Collection method: clinical testing. Allele origin: germline. Affected: yes.

Breakthrough Genomics
Classification: Benign. Review status: criteria provided, single submitter. Criteria: ACMG Guidelines, 2015. Collection method: not provided. Allele origin: germline. Inheritance: Autosomal recessive inheritance. Affected: yes.

Natera, Inc.
Classification: Benign for Hydrolethalus syndrome. Last evaluated: 2019-11-19. Review status: no assertion criteria provided. Collection method: clinical testing. Allele origin: germline. Not counted in ClinVar's aggregate classification.

PreventionGenetics, part of Exact Sciences
Classification: Benign for HYLS1-related condition. Last evaluated: 2019-07-15. Review status: no assertion criteria provided. Collection method: clinical testing. Allele origin: germline. Not counted in ClinVar's aggregate classification.
Comment: This variant is classified as benign based on ACMG/AMP sequence variant interpretation guidelines (Richards et al. 2015 PMID: 25741868, with internal and published modifications).